The following is an entry in ClinVar:

ClinVar aggregate classification (germline): Uncertain significance (1 of 4 stars; one submission).

Conditions:
Charcot-Marie-Tooth disease type 2. Also called: Charcot-Marie-Tooth type 2. Identifiers: Orphanet 64746, MedGen C0270914, MONDO:0018993.

gnomAD v4.1: 1 of 1,614,174 alleles (0.000062%); highest among the groups gnomAD compares: South Asian, 0.0011%; no homozygotes.

Submission:

Labcorp Genetics (formerly Invitae), Labcorp
Classification: Uncertain significance for Charcot-Marie-Tooth disease type 2. Last evaluated: 2025-02-06. Review status: criteria provided, single submitter. Criteria: Invitae Variant Classification Sherloc (09022015). Collection method: clinical testing. Allele origin: germline.
Comment: This sequence change replaces threonine, which is neutral and polar, with isoleucine, which is neutral and non-polar, at codon 749 of the MFN2 protein (p.Thr749Ile). This variant is not present in population databases (gnomAD no frequency). This variant has not been reported in the literature in individuals affected with MFN2-related conditions. Invitae Evidence Modeling of protein sequence and biophysical properties (such as structural, functional, and spatial information, amino acid conservation, physicochemical variation, residue mobility, and thermodynamic stability) indicates that this missense variant is not expected to disrupt MFN2 protein function with a negative predictive value of 80%. In summary, the available evidence is currently insufficient to determine the role of this variant in disease. Therefore, it has been classified as a Variant of Uncertain Significance.

NM_014874.4(MFN2):c.2246C>T (p.Thr749Ile)

Gene: MFN2 (mitofusin 2; plus strand). Cytogenetic location: 1p36.22.
Variant type: single nucleotide variant.
Coding change: c.2246C>T on transcript NM_014874.4 (MANE Select); coding-DNA position 2246, C replaced by T.
Protein change: p.Thr749Ile; replaces threonine 749 with isoleucine.
Molecular consequence: missense variant.
Genome position (GRCh38, 1-based): chr1:12,011,537, C>T. VCF-style: chr1-12011537-C-T. GRCh37 (hg19) VCF-style: chr1-12071594-C-T.
Other names: c.2246C>T, p.Thr749Ile (NM_001127660.2); short protein forms T749I.
Identifiers: ClinVar variation 3622093 (VCV003622093.2).